The following is an entry in ClinVar:

ClinVar aggregate classification (germline): Uncertain significance. Review status: criteria provided, multiple submitters, no conflicts (2 of 4 stars). 2 submissions from 2 submitters: Uncertain significance (2). Last evaluated 2024-06-11.

Conditions:
Hereditary cancer-predisposing syndrome. Also called: Neoplastic Syndromes, Hereditary; Tumor predisposition; Hereditary Cancer Syndrome; Hereditary neoplastic syndrome. Identifiers: Orphanet 140162, MedGen C0027672, MeSH D009386, MONDO:0015356.
Neurofibromatosis, type 2 (SWNV). Also called: SCHWANNOMATOSIS, VESTIBULAR; BILATERAL ACOUSTIC NEUROFIBROMATOSIS; NF2-Related Schwannomatosis. Identifiers: Orphanet 637, MedGen C0027832, MONDO:0007039, OMIM 101000. Disease mechanism: loss of function.

Submissions (2):

Labcorp Genetics (formerly Invitae), Labcorp
Classification: Uncertain significance for Neurofibromatosis, type 2. Last evaluated: 2024-06-11. Review status: criteria provided, single submitter. Criteria: Invitae Variant Classification Sherloc (09022015). Collection method: clinical testing. Allele origin: germline.
Comment: This sequence change replaces methionine, which is neutral and non-polar, with lysine, which is basic and polar, at codon 9 of the NF2 protein (p.Met9Lys). This variant is not present in population databases (gnomAD no frequency). This variant has not been reported in the literature in individuals affected with NF2-related conditions. An algorithm developed to predict the effect of missense changes on protein structure and function (PolyPhen-2) suggests that this variant is likely to be disruptive. In summary, the available evidence is currently insufficient to determine the role of this variant in disease. Therefore, it has been classified as a Variant of Uncertain Significance.

Ambry Genetics
Classification: Uncertain significance for Hereditary cancer-predisposing syndrome. Last evaluated: 2023-12-19. Review status: criteria provided, single submitter. Criteria: Ambry Variant Classification Scheme 2023. Collection method: clinical testing. Allele origin: germline.
Comment: The p.M9K variant (also known as c.26T>A), located in coding exon 1 of the NF2 gene, results from a T to A substitution at nucleotide position 26. The methionine at codon 9 is replaced by lysine, an amino acid with similar properties. This amino acid position is conserved. In addition, this alteration is predicted to be deleterious by in silico analysis. Since supporting evidence is limited at this time, the clinical significance of this alteration remains unclear.

NM_000268.4(NF2):c.26T>A (p.Met9Lys)

Gene: NF2 (NF2, moesin-ezrin-radixin like (MERLIN) tumor suppressor; plus strand). Cytogenetic location: 22q12.2.
Variant type: single nucleotide variant.
Coding change: c.26T>A on transcript NM_000268.4 (MANE Select); coding-DNA position 26, T replaced by A.
Protein change: p.Met9Lys; replaces methionine 9 with lysine.
Molecular consequence: missense variant. On other transcripts: 5 prime UTR variant (4), non-coding transcript variant (1).
Genome position (GRCh38, 1-based): chr22:29,604,024, T>A. VCF-style: chr22-29604024-T-A. GRCh37 (hg19) VCF-style: chr22-30000013-T-A.
Other names: c.26T>A, p.Met9Lys (NM_001407060.1, NM_001407062.1, NM_001407063.1 and 15 more transcripts); c.-615T>A (NM_001407065.1); c.-231T>A (NM_001407067.1); c.-205T>A (NM_001407056.1, NM_001407053.1); short protein forms M9K.
Identifiers: ClinVar variation 3231094 (VCV003231094.3), dbSNP rs1729649719, ClinGen allele CA411145816.